The following is an entry in ClinVar:

NM_001370259.2(MEN1):c.1186-8del

Gene: MEN1 (menin 1; minus strand). Cytogenetic location: 11q13.1.
Variant type: Deletion.
Coding change: c.1186-8del on transcript NM_001370259.2 (MANE Select); 8 bases into the intron before coding-DNA position 1186, one base deleted (T; older notation c.1186-8delT).
Molecular consequence: intron variant.
Genome position (GRCh38, 1-based): chr11:64,805,206, A deleted on the plus strand (T on the coding strand, the reverse complement: MEN1 is on the minus strand). VCF-style (leftmost placement, unchanged base first): chr11-64805205-GA-G. GRCh37 (hg19) VCF-style: chr11-64572677-GA-G.
Other names: c.1186-8delT (NM_130799.2); c.1201-8del (NM_130804.3, NM_130803.3, NM_000244.4 and 3 more transcripts); c.1186-8del (NM_130799.3, NM_001370260.2, NM_001370261.2); c.1312-8del (NM_001370251.2); c.1081-8del (NM_001370263.2, NM_001370262.2).
Identifiers: ClinVar variation 457281 (VCV000457281.14), dbSNP rs1555164452, ClinGen allele CA658656144.

ClinVar aggregate classification (germline): Likely benign. Review status: criteria provided, multiple submitters, no conflicts (2 of 4 stars). 4 submissions from 4 submitters: Likely benign (4). Last evaluated 2025-04-17.

Conditions:
Multiple endocrine neoplasia, type 1 (MEN1). Also called: MEN I; WERMER SYNDROME; Endocrine adenomatosis multiple; MEN 1; MEA I. Identifiers: Orphanet 652, MedGen C0025267, MeSH D018761, MONDO:0007540, OMIM 131100.

Allele frequency attached by ClinVar (database versions not stated): gnomAD exomes below 0.00001.

Submissions (4):

Labcorp Genetics (formerly Invitae), Labcorp
Classification: Likely benign for Multiple endocrine neoplasia, type 1. Last evaluated: 2025-04-17. Review status: criteria provided, single submitter. Criteria: Invitae Variant Classification Sherloc (09022015). Collection method: clinical testing. Allele origin: germline.

Myriad Genetics, Inc.
Classification: Likely benign for Multiple endocrine neoplasia, type 1. Last evaluated: 2024-11-05. Review status: criteria provided, single submitter. Criteria: Myriad Autosomal Dominant, Autosomal Recessive and X-Linked Classification Criteria (2023). Collection method: clinical testing. Allele origin: unknown.
Comment: This variant is considered likely benign. This variant is intronic and is not expected to impact mRNA splicing.

All of Us Research Program, National Institutes of Health
Classification: Likely benign for Multiple endocrine neoplasia, type 1. Last evaluated: 2023-05-04. Review status: criteria provided, single submitter. Criteria: ACMG Guidelines, 2015. Collection method: clinical testing. Allele origin: germline. Inheritance: Autosomal dominant inheritance. Observed: 1 variant allele, 1 heterozygote.
Comment: This study involves interpretation of variants in research participants for the purpose of population health screening. Participant phenotype was not available at the time of variant classification. Additional details can be found in publication PMID: 35346344, PMCID: PMC8962531

Color Diagnostics, LLC DBA Color Health
Classification: Likely benign for Multiple endocrine neoplasia, type 1. Last evaluated: 2023-02-14. Review status: criteria provided, single submitter. Criteria: ACMG Guidelines, 2015. Collection method: clinical testing. Allele origin: germline.